The following is an entry in ClinVar:

NM_013254.4(TBK1):c.1956del (p.Asn652fs)

Gene: TBK1 (TANK binding kinase 1; plus strand). Cytogenetic location: 12q14.2.
Variant type: Deletion.
Coding change: c.1956del on transcript NM_013254.4 (MANE Select); coding-DNA position 1956, one base deleted (T; older notation c.1956delT).
Protein change: p.Asn652fs; shifts the reading frame from asparagine 652.
Molecular consequence: frameshift variant.
Genome position (GRCh38, 1-based): chr12:64,497,256, T deleted. VCF-style (leftmost placement, unchanged base first): chr12-64497255-AT-A. GRCh37 (hg19) VCF-style: chr12-64891035-AT-A.
Other names: short protein forms N652fs.
Identifiers: ClinVar variation 2849736 (VCV002849736.3), dbSNP rs2539537579, ClinGen allele CA2739272139.

ClinVar aggregate classification (germline): Pathogenic (1 of 4 stars; one submission).

Conditions:
Frontotemporal dementia and/or amyotrophic lateral sclerosis 4. Also called: FTDALS4. Identifiers: Orphanet 275872, MedGen C4225325, MONDO:0014641, OMIM 616439.

Submission:

Labcorp Genetics (formerly Invitae), Labcorp
Classification: Pathogenic for Frontotemporal dementia and/or amyotrophic lateral sclerosis 4. Last evaluated: 2023-04-07. Review status: criteria provided, single submitter. Criteria: Invitae Variant Classification Sherloc (09022015). Collection method: clinical testing. Allele origin: germline.
Comment: For these reasons, this variant has been classified as Pathogenic. This sequence change creates a premature translational stop signal (p.Asn652Lysfs*22) in the TBK1 gene. It is expected to result in an absent or disrupted protein product. Loss-of-function variants in TBK1 are known to be pathogenic (PMID: 25803835, 26476236, 26581300). This variant is not present in population databases (gnomAD no frequency). This variant has not been reported in the literature in individuals affected with TBK1-related conditions.

Literature cited by the submitters: PubMed 25803835; PubMed 26476236; PubMed 26581300.